The following is an entry in ClinVar:

ClinVar aggregate classification (germline): Uncertain significance (1 of 4 stars; one submission).

Allele frequency attached by ClinVar (database versions not stated): gnomAD exomes below 0.00001.
gnomAD v4.1: 3 of 1,531,482 alleles (0.0002%); highest among the groups gnomAD compares: African/African-American, 0.0014%; no homozygotes.

Submission:

Labcorp Genetics (formerly Invitae), Labcorp
Classification: Uncertain significance. Last evaluated: 2021-08-30. Review status: criteria provided, single submitter. Criteria: Invitae Variant Classification Sherloc (09022015). Collection method: clinical testing. Allele origin: germline.
Comment: This sequence change replaces glycine with valine at codon 57 of the SLC1A4 protein (p.Gly57Val). The glycine residue is highly conserved and there is a moderate physicochemical difference between glycine and valine. The frequency data for this variant in the population databases is considered unreliable, as metrics indicate insufficient coverage at this position in the ExAC database. This variant has not been reported in the literature in individuals affected with SLC1A4-related conditions. Algorithms developed to predict the effect of missense changes on protein structure and function are either unavailable or do not agree on the potential impact of this missense change (SIFT: "Deleterious"; PolyPhen-2: "Possibly Damaging"; Align-GVGD: "Class C0"). In summary, the available evidence is currently insufficient to determine the role of this variant in disease. Therefore, it has been classified as a Variant of Uncertain Significance.

NM_003038.5(SLC1A4):c.170G>T (p.Gly57Val)

Gene: SLC1A4 (solute carrier family 1 member 4; plus strand). Cytogenetic location: 2p14.
Variant type: single nucleotide variant.
Coding change: c.170G>T on transcript NM_003038.5 (MANE Select); coding-DNA position 170, G replaced by T.
Protein change: p.Gly57Val; replaces glycine 57 with valine.
Molecular consequence: missense variant. On other transcripts: intron variant (3).
Genome position (GRCh38, 1-based): chr2:64,989,813, G>T. VCF-style: chr2-64989813-G-T. GRCh37 (hg19) VCF-style: chr2-65216947-G-T.
Other names: c.-134+1193G>T (NM_001348406.2, NM_001193493.2); c.-134+1259G>T (NM_001348407.2); short protein forms G57V.
Identifiers: ClinVar variation 1492426 (VCV001492426.5), dbSNP rs1482111270, ClinGen allele CA347078291.